The following is an entry in ClinVar:

ClinVar aggregate classification (germline): Pathogenic (1 of 4 stars; one submission).

Submission:

Labcorp Genetics (formerly Invitae), Labcorp
Classification: Pathogenic. Last evaluated: 2019-05-22. Review status: criteria provided, single submitter. Criteria: Invitae Variant Classification Sherloc (09022015). Collection method: clinical testing. Allele origin: germline.
Comment: This sequence change creates a premature translational stop signal (p.Gly1077Glufs*4) in the ERCC6 gene. It is expected to result in an absent or disrupted protein product. For these reasons, this variant has been classified as Pathogenic. Loss-of-function variants in ERCC6 are known to be pathogenic (PMID: 9443879, 18628313). This variant has not been reported in the literature in individuals with ERCC6-related conditions. This variant is not present in population databases (ExAC no frequency).

Literature cited by the submitters: PubMed 9443879; PubMed 18628313.

NM_000124.4(ERCC6):c.3230del (p.Gly1077fs)

Gene: ERCC6 (ERCC excision repair 6, chromatin remodeling factor; minus strand). Cytogenetic location: 10q11.23.
Variant type: Deletion.
Coding change: c.3230del on transcript NM_000124.4 (MANE Select); coding-DNA position 3230, one base deleted (G; older notation c.3230delG).
Protein change: p.Gly1077fs; shifts the reading frame from glycine 1077.
Molecular consequence: frameshift variant.
Genome position (GRCh38, 1-based): chr10:49,470,730, C deleted on the plus strand (G on the coding strand, the reverse complement: ERCC6 is on the minus strand); the first of 2 consecutive C bases (chr10:49,470,730-49,470,731); deleting either gives the same sequence. VCF-style (leftmost placement, unchanged base first): chr10-49470729-TC-T. GRCh37 (hg19) VCF-style: chr10-50678775-TC-T.
Other names: c.3230del, p.Gly1077fs (NM_001346440.2); short protein forms G1077fs.
Identifiers: ClinVar variation 936469 (VCV000936469.7), dbSNP rs1850762108, ClinGen allele CA928209523.